The following is an entry in ClinVar:

ClinVar aggregate classification (germline): Benign (0 of 4 stars; one submission).

Conditions:
TTC28-related disorder. Also called: TTC28-related condition.

Allele frequency attached by ClinVar (database versions not stated): ESP Exome Variant Server 0.00810; gnomAD 0.01399; ExAC 0.02540; 1000 Genomes Project 30x 0.02842; 1000 Genomes Project 0.03035.
gnomAD v4.1: 13,628 of 1,551,992 alleles (0.88%); highest among the groups gnomAD compares: East Asian, 4.8%; 245 homozygotes.

Submission:

PreventionGenetics, part of Exact Sciences
Classification: Benign for TTC28-related condition. Last evaluated: 2019-06-25. Review status: no assertion criteria provided. Collection method: clinical testing. Allele origin: germline.
Comment: This variant is classified as benign based on ACMG/AMP sequence variant interpretation guidelines (Richards et al. 2015 PMID: 25741868, with internal and published modifications).

NM_001145418.2(TTC28):c.6393A>T (p.Ser2131=)

Genes: TTC28 (tetratricopeptide repeat domain 28; minus strand), TTC28-AS1 (TTC28 antisense RNA 1; plus strand). Cytogenetic location: 22q12.1.
Variant type: single nucleotide variant.
Coding change: c.6393A>T on transcript NM_001145418.2 (MANE Select); coding-DNA position 6393, A replaced by T.
Protein change: p.Ser2131=; no amino-acid change (serine 2131 retained).
Molecular consequence: synonymous variant.
Genome position (GRCh38, 1-based): chr22:27,983,274, T>A on the plus strand (A>T on the coding strand, the complement: TTC28 is on the minus strand). VCF-style: chr22-27983274-T-A. GRCh37 (hg19) VCF-style: chr22-28379262-T-A.
Other names: c.6369A>T, p.Ser2123= (NM_001393403.1); c.6039A>T, p.Ser2013= (NM_001393404.1); c.6015A>T, p.Ser2005= (NM_001393405.1).
Identifiers: ClinVar variation 3037151 (VCV003037151.2), dbSNP rs77293143, ClinGen allele CA10167035.
Genomic context (GRCh38, chr22:27,983,274, plus strand): 5'-TTCTTGGGATTTCACGGTACTGTCCGTTTCTGTGCTAGACTGGTCTGATTCTCCTGTATC[T>A]GAGCTTGCTAGTTTTCCCACCTTTTGGAAGGGTGAGTTGGGGCTGGGAATCAGAGTCATT-3'
Protein context (NP_001138890.1, residues 2121-2141): PFQKVGKLAS[Ser2131=]DTGESDQSST